The following is an entry in ClinVar:

ClinVar aggregate classification (germline): Uncertain significance. Review status: criteria provided, single submitter (1 of 4 stars). 2 submissions from 2 submitters: Uncertain significance (1). 1 of the submissions does not count toward it. Last evaluated 2023-08-28.

Conditions:
TBK1-related disorder. Also called: TBK1-related condition.
Frontotemporal dementia and/or amyotrophic lateral sclerosis 4. Also called: FTDALS4. Identifiers: Orphanet 275872, MedGen C4225325, MONDO:0014641, OMIM 616439.

Allele frequency attached by ClinVar (database versions not stated): gnomAD exomes below 0.00001; TOPMed below 0.00001; gnomAD 0.00001.
gnomAD v4.1: 5 of 1,611,244 alleles (0.00031%); highest among the groups gnomAD compares: Non-Finnish European, 0.00025%; no homozygotes.

Submissions (2):

Labcorp Genetics (formerly Invitae), Labcorp
Classification: Uncertain significance for Frontotemporal dementia and/or amyotrophic lateral sclerosis 4. Last evaluated: 2023-08-28. Review status: criteria provided, single submitter. Criteria: Invitae Variant Classification Sherloc (09022015). Collection method: clinical testing. Allele origin: germline.
Comment: This sequence change replaces arginine, which is basic and polar, with histidine, which is basic and polar, at codon 134 of the TBK1 protein (p.Arg134His). The frequency data for this variant in the population databases is considered unreliable, as metrics indicate poor data quality at this position in the gnomAD database. This missense change has been observed in individual(s) with clinical features of amyotrophic lateral sclerosis (PMID: 25700176). Advanced modeling of protein sequence and biophysical properties (such as structural, functional, and spatial information, amino acid conservation, physicochemical variation, residue mobility, and thermodynamic stability) performed at Invitae indicates that this missense variant is expected to disrupt TBK1 protein function. Experimental studies have shown that this missense change affects TBK1 function (PMID: 31748271). In summary, the available evidence is currently insufficient to determine the role of this variant in disease. Therefore, it has been classified as a Variant of Uncertain Significance.

PreventionGenetics, part of Exact Sciences
Classification: Uncertain significance for TBK1-related condition. Last evaluated: 2024-06-14. Review status: no assertion criteria provided. Collection method: clinical testing. Allele origin: germline. Not counted in ClinVar's aggregate classification.
Comment: The TBK1 c.401G>A variant is predicted to result in the amino acid substitution p.Arg134His. This variant has been reported in individuals with amyotrophic lateral sclerosis (Cirulli. 2015. PubMed ID: 25700176; Nel. 2022. PubMed ID: 35047667) and in vitro studies have shown it reduces protein function (Ye. 2019. PubMed ID: 31748271). This variant is reported in 0.0080% of alleles in individuals of European (Finnish) descent in gnomAD. At this time, the clinical significance of this variant is uncertain due to the absence of conclusive functional and genetic evidence.

Literature cited by the submitters: PubMed 25700176 (cited by Labcorp Genetics (formerly Invitae), Labcorp); PubMed 31748271 (cited by Labcorp Genetics (formerly Invitae), Labcorp).

NM_013254.4(TBK1):c.401G>A (p.Arg134His)

Gene: TBK1 (TANK binding kinase 1; plus strand). Cytogenetic location: 12q14.2.
Variant type: single nucleotide variant.
Coding change: c.401G>A on transcript NM_013254.4 (MANE Select); coding-DNA position 401, G replaced by A.
Protein change: p.Arg134His; replaces arginine 134 with histidine.
Molecular consequence: missense variant.
Genome position (GRCh38, 1-based): chr12:64,466,943, G>A. VCF-style: chr12-64466943-G-A. GRCh37 (hg19) VCF-style: chr12-64860723-G-A.
Other names: c.401G>A (NM_013254.3); short protein forms R134H.
Identifiers: ClinVar variation 2735904 (VCV002735904.4), dbSNP rs1264687081, ClinGen allele CA385595945.
Genomic context (GRCh38, chr12:64,466,943, plus strand): 5'-TGTTTTATATTGTTGAAGTGGGTGGAATGAATCATCTACGAGAGAATGGTATAGTGCACC[G>A]TGATATCAAGCCAGGAAATATCATGCGTGTTATAGGGGAAGATGGACAGTCTGTGTACAA-3'
Protein context (NP_037386.1, residues 124-144): NHLRENGIVH[Arg134His]DIKPGNIMRV